The following is an entry in ClinVar:

NM_001371533.1(FUT8):c.77del (p.Gly26fs)

Gene: FUT8 (fucosyltransferase 8; plus strand). Cytogenetic location: 14q23.3.
Variant type: Deletion.
Coding change: c.77del on transcript NM_001371533.1 (MANE Select); coding-DNA position 77, one base deleted (G; older notation c.77delG).
Protein change: p.Gly26fs; shifts the reading frame from glycine 26.
Molecular consequence: frameshift variant. On other transcripts: non-coding transcript variant (1), intron variant (1).
Genome position (GRCh38, 1-based): chr14:65,561,640, G deleted; the last of 2 consecutive G bases (chr14:65,561,639-65,561,640); deleting either gives the same sequence. VCF-style (leftmost placement, unchanged base first): chr14-65561638-AG-A. GRCh37 (hg19) VCF-style: chr14-66028356-AG-A.
Other names: p.Gly26Valfs*28; c.77del, p.Gly26fs (NM_001371534.1, NM_001371536.1, NM_178155.3 and 1 more transcripts); c.-286-54338del (NM_004480.4); short protein forms G26fs.
Identifiers: ClinVar variation 4853820 (VCV004853820.1).
Genomic context (GRCh38, chr14:65,561,638, plus strand): 5'-TGGTTCCTGGCGTTGGATTATGCTCATTCTTTTTGCCTGGGGGACCTTGCTGTTTTATAT[AG>A]GTGGTCACTTGGTACGAGATAATGACCATCCTGATCACTCTAGCCGAGAACTGTCCAAGA-3'

ClinVar aggregate classification (germline): Likely pathogenic (1 of 4 stars; one submission).

Conditions:
Congenital disorder of glycosylation with defective fucosylation 1 (CDGF1). Identifiers: MedGen CN258220, MONDO:0020775, OMIM 618005.

Submission:

Department of Molecular Genetics, Istishari Arab Hospital
Classification: Likely pathogenic for Congenital disorder of glycosylation with defective fucosylation 1. Last evaluated: 2026-06-07. Review status: criteria provided, single submitter. Criteria: ACMG Guidelines, 2015. Collection method: clinical testing. Allele origin: germline. Inheritance: Autosomal recessive inheritance. Affected: yes.
Comment: The FUT8 variant c.77del, p.Gly26Valfs*28 creates a shift in the reading frame starting at codon 26 in exon 3 (out of 11 exons). The new reading frame ends in a stop codon 28 positions downstream. The variant is not observed in the gnomAD v4.1.0 dataset, and to the best of our knowledge, it was not previously reported in the literature. It is classified as likely pathogenic based on ACMG/AMP/ClinGen SVI guidelines.